The following is an entry in ClinVar:

ClinVar aggregate classification (germline): Uncertain significance (1 of 4 stars; one submission).

Submission:

Labcorp Genetics (formerly Invitae), Labcorp
Classification: Uncertain significance. Last evaluated: 2022-01-13. Review status: criteria provided, single submitter. Criteria: Invitae Variant Classification Sherloc (09022015). Collection method: clinical testing. Allele origin: germline.
Comment: In summary, the available evidence is currently insufficient to determine the role of this variant in disease. Therefore, it has been classified as a Variant of Uncertain Significance. Experimental studies and prediction algorithms are not available or were not evaluated, and the functional significance of this variant is currently unknown. This variant has not been reported in the literature in individuals affected with SIX5-related conditions. Information on the frequency of this variant in the gnomAD database is not available, as this variant may be reported differently in the database. This variant, c.1724_1751delinsGCTGCCAGGT, is a complex sequence change that results in the deletion of 10 and insertion of 4 amino acid(s) in the SIX5 protein (p.Gln575_Ala584delinsArgCysGlnVal).

NM_175875.5(SIX5):c.1724_1751delinsGCTGCCAGGT (p.Gln575_Ala584delinsArgCysGlnVal)

Gene: SIX5 (SIX homeobox 5; minus strand). Cytogenetic location: 19q13.32.
Variant type: Indel.
Coding change: c.1724_1751delinsGCTGCCAGGT on transcript NM_175875.5 (MANE Select); coding-DNA positions 1724 to 1751, AGGTCCTGCCGCCAGCCCCCGGCCTGGC replaced by GCTGCCAGGT.
Protein change: p.Gln575_Ala584delinsArgCysGlnVal.
Molecular consequence: inframe indel.
Genome position (GRCh38, 1-based): chr19:45,765,970-45,765,997, GCCAGGCCGGGGGCTGGCGGCAGGACCT replaced by ACCTGGCAGC on the plus strand (AGGTCCTGCCGCCAGCCCCCGGCCTGGC replaced by GCTGCCAGGT on the coding strand, the reverse complement: SIX5 is on the minus strand). GRCh37 (hg19): chr19:46,269,228-46,269,255.
Identifiers: ClinVar variation 2082134 (VCV002082134.4), dbSNP rs2513598816, ClinGen allele CA2580097412.